The following is an entry in ClinVar:

NM_018897.3(DNAH7):c.4775T>C (p.Ile1592Thr)

Gene: DNAH7 (dynein axonemal heavy chain 7; minus strand). Cytogenetic location: 2q32.3.
Variant type: single nucleotide variant.
Coding change: c.4775T>C on transcript NM_018897.3 (MANE Select); coding-DNA position 4775, T replaced by C.
Protein change: p.Ile1592Thr; replaces isoleucine 1592 with threonine.
Molecular consequence: missense variant.
Genome position (GRCh38, 1-based): chr2:195,895,097, A>G on the plus strand (T>C on the coding strand, the complement: DNAH7 is on the minus strand). VCF-style: chr2-195895097-A-G. GRCh37 (hg19) VCF-style: chr2-196759821-A-G.
Other names: short protein forms I1592T.
Identifiers: ClinVar variation 3899008 (VCV003899008.1).

ClinVar aggregate classification (germline): Uncertain significance (1 of 4 stars; one submission).

gnomAD v4.1: 115 of 1,613,652 alleles (0.0071%); highest among the groups gnomAD compares: Non-Finnish European, 0.0087%; no homozygotes.

Submission:

GeneDx
Classification: Uncertain significance. Last evaluated: 2024-11-10. Review status: criteria provided, single submitter. Criteria: GeneDx Variant Classification Process June 2021. Collection method: clinical testing. Allele origin: germline. Affected: yes.
Comment: In silico analysis supports that this missense variant has a deleterious effect on protein structure/function; Has not been previously published as pathogenic or benign to our knowledge